The following is an entry in ClinVar:

ClinVar aggregate classification (germline): Likely benign (0 of 4 stars; one submission).

Conditions:
FNDC3B-related disorder. Also called: FNDC3B-related condition.

Allele frequency attached by ClinVar (database versions not stated): 1000 Genomes Project 0.00140; 1000 Genomes Project 30x 0.00141; ESP Exome Variant Server 0.00223; gnomAD 0.00242; TOPMed 0.00305.
gnomAD v4.1: 5,021 of 1,611,676 alleles (0.31%); highest among the groups gnomAD compares: Non-Finnish European, 0.38%; 13 homozygotes.

Submission:

PreventionGenetics, part of Exact Sciences
Classification: Likely benign for FNDC3B-related condition. Last evaluated: 2019-12-05. Review status: no assertion criteria provided. Collection method: clinical testing. Allele origin: germline.
Comment: This variant is classified as likely benign based on ACMG/AMP sequence variant interpretation guidelines (Richards et al. 2015 PMID: 25741868, with internal and published modifications).

NM_022763.4(FNDC3B):c.2511A>G (p.Leu837=)

Gene: FNDC3B (fibronectin type III domain containing 3B; plus strand). Cytogenetic location: 3q26.31.
Variant type: single nucleotide variant.
Coding change: c.2511A>G on transcript NM_022763.4 (MANE Select); coding-DNA position 2511, A replaced by G.
Protein change: p.Leu837=; no amino-acid change (leucine 837 retained).
Molecular consequence: synonymous variant.
Genome position (GRCh38, 1-based): chr3:172,347,358, A>G. VCF-style: chr3-172347358-A-G. GRCh37 (hg19) VCF-style: chr3-172065148-A-G.
Other names: c.2511A>G, p.Leu837= (NM_001135095.2).
Identifiers: ClinVar variation 3038802 (VCV003038802.2), dbSNP rs113522210, ClinGen allele CA2706044.